The following is an entry in ClinVar:

NM_001110556.2(FLNA):c.1845G>A (p.Gly615=)

Gene: FLNA (filamin A; minus strand). Cytogenetic location: Xq28.
Variant type: single nucleotide variant.
Coding change: c.1845G>A on transcript NM_001110556.2 (MANE Select); coding-DNA position 1845, G replaced by A.
Protein change: p.Gly615=; no amino-acid change (glycine 615 retained).
Molecular consequence: synonymous variant.
Genome position (GRCh38, 1-based): chrX:154,364,703, C>T on the plus strand (G>A on the coding strand, the complement: FLNA is on the minus strand). VCF-style: chrX-154364703-C-T. GRCh37 (hg19) VCF-style: chrX-153593071-C-T.
Other names: c.1845G>A, p.Gly615= (NM_001456.4).
Identifiers: ClinVar variation 5000125 (VCV005000125.1).
Genomic context (GRCh38, chrX:154,364,703, plus strand): 5'-GTAGCGCACATCACAGGAGCCGTCGCCCTTGTCGTCACATTCGATCTTAGCCTGCGATGG[C>T]CCTTCCACCGAGAAGCCTGACAACAGCCACCAGTCCCCTCAGTGCCCTGGAGCCTCAGGG-3'
Protein context (NP_001104026.1, residues 605-625): DVGTLGFSVE[Gly615=]PSQAKIECDD

ClinVar aggregate classification (germline): Likely benign (1 of 4 stars; one submission).

Conditions:
FLNA-related disorder.

Submission:

PreventionGenetics, part of Exact Sciences
Classification: Likely benign for FLNA-related condition. Last evaluated: 2025-05-20. Review status: criteria provided, single submitter. Criteria: ACMG Guidelines, 2015. Collection method: clinical testing. Allele origin: germline.
Comment: This variant is classified as likely benign based on ACMG/AMP sequence variant interpretation guidelines (Richards et al. 2015 PMID: 25741868, with internal and published modifications).